The following is an entry in ClinVar:

ClinVar aggregate classification (germline): Uncertain significance. Review status: criteria provided, multiple submitters, no conflicts (2 of 4 stars). 2 submissions from 2 submitters: Uncertain significance (2). Last evaluated 2022-10-18.

Conditions:
Atrial fibrillation, familial, 7 (ATFB7). Identifiers: MedGen C2677106, MONDO:0012828, OMIM 612240.
Inborn genetic diseases. Identifiers: MedGen C0950123, MeSH D030342.

Allele frequency attached by ClinVar (database versions not stated): gnomAD exomes below 0.00001; gnomAD 0.00001; TOPMed 0.00001.
gnomAD v4.1: 2 of 1,614,110 alleles (0.00012%); highest among the groups gnomAD compares: Admixed American, 0.0017%; no homozygotes.

Submissions (2):

Labcorp Genetics (formerly Invitae), Labcorp
Classification: Uncertain significance for Atrial fibrillation, familial, 7. Last evaluated: 2022-10-18. Review status: criteria provided, single submitter. Criteria: Invitae Variant Classification Sherloc (09022015). Collection method: clinical testing. Allele origin: germline.
Comment: In summary, the available evidence is currently insufficient to determine the role of this variant in disease. Therefore, it has been classified as a Variant of Uncertain Significance. Advanced modeling of protein sequence and biophysical properties (such as structural, functional, and spatial information, amino acid conservation, physicochemical variation, residue mobility, and thermodynamic stability) performed at Invitae indicates that this missense variant is not expected to disrupt KCNA5 protein function. This variant has not been reported in the literature in individuals affected with KCNA5-related conditions. This variant is not present in population databases (gnomAD no frequency). This sequence change replaces leucine, which is neutral and non-polar, with valine, which is neutral and non-polar, at codon 372 of the KCNA5 protein (p.Leu372Val).

Ambry Genetics
Classification: Uncertain significance for Inborn genetic diseases. Last evaluated: 2022-04-12. Review status: criteria provided, single submitter. Criteria: Ambry Variant Classification Scheme 2023. Collection method: clinical testing. Allele origin: germline.

NM_002234.4(KCNA5):c.1114C>G (p.Leu372Val)

Gene: KCNA5 (potassium voltage-gated channel subfamily A member 5; plus strand). Cytogenetic location: 12p13.32.
Variant type: single nucleotide variant.
Coding change: c.1114C>G on transcript NM_002234.4 (MANE Select); coding-DNA position 1114, C replaced by G.
Protein change: p.Leu372Val; replaces leucine 372 with valine.
Molecular consequence: missense variant.
Genome position (GRCh38, 1-based): chr12:5,045,261, C>G. VCF-style: chr12-5045261-C-G. GRCh37 (hg19) VCF-style: chr12-5154427-C-G.
Other names: c.1114C>G (NM_002234.2); short protein forms L372V.
Identifiers: ClinVar variation 2153277 (VCV002153277.5), dbSNP rs1047059016, ClinGen allele CA231868474.
Genomic context (GRCh38, chr12:5,045,261, plus strand): 5'-TTCTCCCGGAACATCATGAACATCATCGATGTGGTGGCCATCTTCCCCTACTTCATCACC[C>G]TGGGCACCGAACTGGCAGAGCAGCAGCCAGGGGGTGGAGGAGGCGGCCAGAATGGGCAGC-3'
Protein context (NP_002225.2, residues 362-382): VVAIFPYFIT[Leu372Val]GTELAEQQPG